The following is an entry in ClinVar:

ClinVar aggregate classification (germline): Uncertain significance (1 of 4 stars; one submission).

Conditions:
Hereditary cancer-predisposing syndrome. Also called: Tumor predisposition; Hereditary Cancer Syndrome; Neoplastic Syndromes, Hereditary; Hereditary neoplastic syndrome. Identifiers: Orphanet 140162, MedGen C0027672, MeSH D009386, MONDO:0015356.

Submission:

Ambry Genetics
Classification: Uncertain significance for Hereditary cancer-predisposing syndrome. Last evaluated: 2020-08-13. Review status: criteria provided, single submitter. Criteria: Ambry Variant Classification Scheme 2023. Collection method: clinical testing. Allele origin: germline.
Comment: The p.K369Q variant (also known as c.1105A>C), located in coding exon 4 of the BARD1 gene, results from an A to C substitution at nucleotide position 1105. The lysine at codon 369 is replaced by glutamine, an amino acid with similar properties. This amino acid position is poorly conserved in available vertebrate species. In addition, this alteration is predicted to be tolerated by in silico analysis. Since supporting evidence is limited at this time, the clinical significance of this alteration remains unclear.

NM_000465.4(BARD1):c.1105A>C (p.Lys369Gln)

Gene: BARD1 (BRCA1 associated RING domain 1; minus strand). Cytogenetic location: 2q35.
Variant type: single nucleotide variant.
Coding change: c.1105A>C on transcript NM_000465.4 (MANE Select); coding-DNA position 1105, A replaced by C.
Protein change: p.Lys369Gln; replaces lysine 369 with glutamine.
Molecular consequence: missense variant. On other transcripts: non-coding transcript variant (2), intron variant (3).
Genome position (GRCh38, 1-based): chr2:214,780,769, T>G on the plus strand (A>C on the coding strand, the complement: BARD1 is on the minus strand). VCF-style: chr2-214780769-T-G. GRCh37 (hg19) VCF-style: chr2-215645493-T-G.
Other names: c.1048A>C, p.Lys350Gln (NM_001282543.2); c.159-28214A>C (NM_001282548.2); c.215+16292A>C (NM_001282545.2); c.364+11528A>C (NM_001282549.2); short protein forms K350Q, K369Q.
Identifiers: ClinVar variation 1793500 (VCV001793500.2), dbSNP rs2106108670, ClinGen allele CA350454048.